The following is an entry in ClinVar:

NM_018191.4(RCBTB1):c.680T>C (p.Val227Ala)

Gene: RCBTB1 (RCC1 and BTB domain containing protein 1; minus strand). Cytogenetic location: 13q14.2.
Variant type: single nucleotide variant.
Coding change: c.680T>C on transcript NM_018191.4 (MANE Select); coding-DNA position 680, T replaced by C.
Protein change: p.Val227Ala; replaces valine 227 with alanine.
Molecular consequence: missense variant. On other transcripts: non-coding transcript variant (2).
Genome position (GRCh38, 1-based): chr13:49,552,209, A>G on the plus strand (T>C on the coding strand, the complement: RCBTB1 is on the minus strand). VCF-style: chr13-49552209-A-G. GRCh37 (hg19) VCF-style: chr13-50126345-A-G.
Other names: c.680T>C, p.Val227Ala (NM_001352500.2, NM_001352501.2, NM_001352502.2 and 3 more transcripts); c.101T>C, p.Val34Ala (NM_001352506.2); short protein forms V227A, V34A.
Identifiers: ClinVar variation 2013556 (VCV002013556.4), dbSNP rs1455769067, ClinGen allele CA388190863.
Genomic context (GRCh38, chr13:49,552,209, plus strand): 5'-GCCACTAACTGAGAGTGCACCACACGTACCTGGTTCACACACACGCTGTGCAAAGCTGCC[A>G]CTCTCACAGGGGTCAGCTGGTTGCCATTGTTTCCCAGGCCCAGCTGACCGTTGCCATTGT-3'
Protein context (NP_060661.3, residues 217-237): NNGNQLTPVR[Val227Ala]AALHSVCVNQ

ClinVar aggregate classification (germline): Uncertain significance (1 of 4 stars; one submission).

Submission:

Labcorp Genetics (formerly Invitae), Labcorp
Classification: Uncertain significance. Last evaluated: 2022-07-03. Review status: criteria provided, single submitter. Criteria: Invitae Variant Classification Sherloc (09022015). Collection method: clinical testing. Allele origin: germline.
Comment: In summary, the available evidence is currently insufficient to determine the role of this variant in disease. Therefore, it has been classified as a Variant of Uncertain Significance. Algorithms developed to predict the effect of missense changes on protein structure and function are either unavailable or do not agree on the potential impact of this missense change (SIFT: "Deleterious"; PolyPhen-2: "Benign"; Align-GVGD: "Class C25"). This variant has not been reported in the literature in individuals affected with RCBTB1-related conditions. This variant is not present in population databases (gnomAD no frequency). This sequence change replaces valine, which is neutral and non-polar, with alanine, which is neutral and non-polar, at codon 227 of the RCBTB1 protein (p.Val227Ala).